The following is an entry in ClinVar:

NM_000297.4(PKD2):c.1785dup (p.Asp596fs)

Gene: PKD2 (polycystin 2, transient receptor potential cation channel; plus strand). Cytogenetic location: 4q22.1.
Variant type: Duplication.
Coding change: c.1785dup on transcript NM_000297.4 (MANE Select); coding-DNA position 1785, one base duplicated (A; older notation c.1785dupA).
Protein change: p.Asp596fs; shifts the reading frame from aspartic acid 596.
Molecular consequence: frameshift variant. On other transcripts: non-coding transcript variant (1).
Genome position (GRCh38, 1-based): chr4:88,056,154, A duplicated; the last of 3 consecutive A bases (chr4:88,056,152-88,056,154); duplicating any one gives the same sequence. VCF-style (leftmost placement, unchanged base first): chr4-88056151-C-CA. GRCh37 (hg19) VCF-style: chr4-88977303-C-CA.
Other names: c.1560dup, p.Asp521fs (NM_001440544.1); short protein forms D596fs, D521fs.
Identifiers: ClinVar variation 4990927 (VCV004990927.1).
Genomic context (GRCh38, chr4:88,056,151, plus strand): 5'-CAAATTCATCAATTTTAACAGGACCATGAGCCAGCTCTCGACAACCATGTCTCGATGTGC[C>CA]AAAGACCTGTTTGGCTTTGCTATTATGTTCTTCATTATTTTCCTAGCGTATGCTCAGTTG-3'

ClinVar aggregate classification (germline): Pathogenic (1 of 4 stars; one submission).

Conditions:
PKD2-related disorder. Also called: PKD2-related condition.

Submission:

PreventionGenetics, part of Exact Sciences
Classification: Pathogenic for PKD2-related condition. Last evaluated: 2025-11-05. Review status: criteria provided, single submitter. Criteria: ACMG Guidelines, 2015. Collection method: clinical testing. Allele origin: germline.
Comment: The PKD2 c.1785dupA variant is predicted to result in a frameshift and premature protein termination (p.Asp596Argfs*30). This variant has been reported in an individual with polycystic kidney disease (Supp table 1, Bullich et al. 2018. PubMed ID: 29801666). This variant has not been reported in a large population database (gnomAD), indicating this variant is rare. Frameshift variants in PKD2 are expected to be pathogenic. This variant is interpreted as pathogenic.